The following is an entry in ClinVar:

NM_170606.3(KMT2C):c.8350_8361del (p.Lys2784_Asn2787del)

Gene: KMT2C (lysine methyltransferase 2C; minus strand). Cytogenetic location: 7q36.1.
Variant type: Deletion.
Coding change: c.8350_8361del on transcript NM_170606.3 (MANE Select); coding-DNA positions 8350 to 8361, 12 bases deleted (AAGTTAGATAAT).
Protein change: p.Lys2784_Asn2787del.
Genome position (GRCh38, 1-based): chr7:152,177,092-152,177,103, ATTATCTAACTT deleted on the plus strand (AAGTTAGATAAT on the coding strand, the reverse complement: KMT2C is on the minus strand); deleting any 12 consecutive bases within chr7:152,177,092-152,177,105 gives the same sequence; the c. name uses the placement nearest the transcript's 3' end. VCF-style (leftmost placement, unchanged base first): chr7-152177091-GATTATCTAACTT-G. GRCh37 (hg19) VCF-style: chr7-151874176-GATTATCTAACTT-G.
Identifiers: ClinVar variation 3372772 (VCV003372772.1).

ClinVar aggregate classification (germline): Uncertain significance (1 of 4 stars; one submission).

Submission:

GeneDx
Classification: Uncertain significance. Last evaluated: 2024-04-18. Review status: criteria provided, single submitter. Criteria: GeneDx Variant Classification Process June 2021. Collection method: clinical testing. Allele origin: germline. Affected: yes.
Comment: Not observed at significant frequency in large population cohorts (gnomAD); In-frame deletion of 4 amino acids in a non-repeat region; In silico analysis indicates that this variant does not alter protein structure/function; Has not been previously published as pathogenic or benign to our knowledge